The following is an entry in ClinVar:

NM_001302998.2(LIPI):c.1331A>T (p.Asp444Val)

Gene: LIPI (lipase I; minus strand). Cytogenetic location: 21q11.2.
Variant type: single nucleotide variant.
Coding change: c.1331A>T on transcript NM_001302998.2 (MANE Select); coding-DNA position 1331, A replaced by T.
Protein change: p.Asp444Val; replaces aspartic acid 444 with valine.
Molecular consequence: missense variant.
Genome position (GRCh38, 1-based): chr21:14,109,045, T>A on the plus strand (A>T on the coding strand, the complement: LIPI is on the minus strand). VCF-style: chr21-14109045-T-A. GRCh37 (hg19) VCF-style: chr21-15481366-T-A.
Other names: c.1241A>T, p.Asp414Val (NM_001302999.2); c.1313A>T, p.Asp438Val (NM_001303000.2); c.1042A>T, p.Thr348Ser (NM_001303001.2); c.1226A>T, p.Asp409Val (NM_001379565.1); c.836A>T, p.Asp279Val (NM_001379566.1); c.1196A>T, p.Asp399Val (NM_198996.4); short protein forms D279V, D399V, D409V, D414V, D444V, D438V, T348S.
Identifiers: ClinVar variation 2065642 (VCV002065642.4), dbSNP rs1324998843, ClinGen allele CA409820446.

ClinVar aggregate classification (germline): Uncertain significance (1 of 4 stars; one submission).

Allele frequency attached by ClinVar (database versions not stated): TOPMed below 0.00001; gnomAD 0.00001.
gnomAD v4.1: 2 of 1,597,010 alleles (0.00013%); highest among the groups gnomAD compares: Non-Finnish European, 0.00017%; no homozygotes.

Submission:

Labcorp Genetics (formerly Invitae), Labcorp
Classification: Uncertain significance. Last evaluated: 2024-07-08. Review status: criteria provided, single submitter. Criteria: Invitae Variant Classification Sherloc (09022015). Collection method: clinical testing. Allele origin: germline.
Comment: This sequence change replaces aspartic acid, which is acidic and polar, with valine, which is neutral and non-polar, at codon 465 of the LIPI protein (p.Asp465Val). This variant is present in population databases (no rsID available, gnomAD 0.007%). This variant has not been reported in the literature in individuals affected with LIPI-related conditions. ClinVar contains an entry for this variant (Variation ID: 2065642). An algorithm developed to predict the effect of missense changes on protein structure and function (PolyPhen-2) suggests that this variant is likely to be tolerated. In summary, the available evidence is currently insufficient to determine the role of this variant in disease. Therefore, it has been classified as a Variant of Uncertain Significance.